The following is an entry in ClinVar:

ClinVar aggregate classification (germline): Uncertain significance (1 of 4 stars; one submission).

Submission:

GeneDx
Classification: Uncertain significance. Last evaluated: 2026-02-04. Review status: criteria provided, single submitter. Criteria: GeneDx Variant Classification Process June 2021. Collection method: clinical testing. Allele origin: germline.
Comment: Not observed at significant frequency in large population cohorts (gnomAD); In silico analysis supports that this missense variant has a deleterious effect on protein structure/function; Has not been previously published as pathogenic or benign to our knowledge

NM_001375524.1(TRRAP):c.11366G>T (p.Arg3789Leu)

Gene: TRRAP (transformation/transcription domain associated protein; plus strand). Cytogenetic location: 7q22.1.
Variant type: single nucleotide variant.
Coding change: c.11366G>T on transcript NM_001375524.1 (MANE Select); coding-DNA position 11366, G replaced by T.
Protein change: p.Arg3789Leu; replaces arginine 3789 with leucine.
Molecular consequence: missense variant.
Genome position (GRCh38, 1-based): chr7:99,012,099, G>T. VCF-style: chr7-99012099-G-T. GRCh37 (hg19) VCF-style: chr7-98609722-G-T.
Other names: c.11324G>T, p.Arg3775Leu (NM_001244580.2); c.11237G>T, p.Arg3746Leu (NM_003496.4); short protein forms R3746L, R3775L, R3789L.
Identifiers: ClinVar variation 4976202 (VCV004976202.1).